The following is an entry in ClinVar:

ClinVar aggregate classification (germline): Benign. Review status: criteria provided, multiple submitters, no conflicts (2 of 4 stars). 2 submissions from 2 submitters: Benign (2). Last evaluated 2025-08-18.

Allele frequency attached by ClinVar (database versions not stated): ESP Exome Variant Server 0.00033; gnomAD 0.00036; TOPMed 0.00044; gnomAD exomes 0.00007; ExAC 0.00015.
gnomAD v4.1: 153 of 1,614,122 alleles (0.0095%); highest among the groups gnomAD compares: African/African-American, 0.099%; 1 homozygote.

Submissions (2):

Labcorp Genetics (formerly Invitae), Labcorp
Classification: Benign. Last evaluated: 2025-08-18. Review status: criteria provided, single submitter. Criteria: Invitae Variant Classification Sherloc (09022015). Collection method: clinical testing. Allele origin: germline.

CeGaT Center for Human Genetics Tuebingen
Classification: Benign. Last evaluated: 2022-08-01. Review status: criteria provided, single submitter. Criteria: CeGaT Center For Human Genetics Tuebingen Variant Classification Criteria Version 2. Collection method: clinical testing. Allele origin: germline. Affected: yes. Observed: 1 variant allele.
Comment: CYLD: BS1, BS2

NM_001378743.1(CYLD):c.1365A>G (p.Gln455=)

Gene: CYLD (CYLD lysine 63 deubiquitinase; plus strand). Cytogenetic location: 16q12.1.
Variant type: single nucleotide variant.
Coding change: c.1365A>G on transcript NM_001378743.1 (MANE Select); coding-DNA position 1365, A replaced by G.
Protein change: p.Gln455=; no amino-acid change (glutamine 455 retained).
Molecular consequence: synonymous variant. On other transcripts: non-coding transcript variant (1).
Genome position (GRCh38, 1-based): chr16:50,779,891, A>G. VCF-style: chr16-50779891-A-G. GRCh37 (hg19) VCF-style: chr16-50813802-A-G.
Other names: c.1356A>G, p.Gln452= (NM_001042355.2, NM_001042412.3, NM_001378744.1 and 6 more transcripts); c.1326A>G, p.Gln442= (NM_001378751.1, NM_001378752.1, NM_001378753.1); c.690A>G, p.Gln230= (NM_001378754.1, NM_001378755.1); c.1365A>G, p.Gln455= (NM_015247.3).
Identifiers: ClinVar variation 2646516 (VCV002646516.25), dbSNP rs371867434, ClinGen allele CA8052392.